The following is an entry in ClinVar:

NM_001348323.3(TRIP12):c.4672C>T (p.Arg1558Ter)

Gene: TRIP12 (thyroid hormone receptor interactor 12; minus strand). Cytogenetic location: 2q36.3.
Variant type: single nucleotide variant.
Coding change: c.4672C>T on transcript NM_001348323.3 (MANE Select); coding-DNA position 4672, C replaced by T.
Protein change: p.Arg1558Ter; replaces arginine 1558 with a stop codon.
Molecular consequence: nonsense.
Genome position (GRCh38, 1-based): chr2:229,789,634, G>A on the plus strand (C>T on the coding strand, the complement: TRIP12 is on the minus strand). VCF-style: chr2-229789634-G-A. GRCh37 (hg19) VCF-style: chr2-230654350-G-A.
Other names: c.4591C>T, p.Arg1531Ter (NM_001284214.2, NM_001348315.2); c.4546C>T, p.Arg1516Ter (NM_001284215.2, NM_001348316.2); c.3637C>T, p.Arg1213Ter (NM_001284216.2); c.4531C>T, p.Arg1511Ter (NM_001348317.1, NM_001348318.2); c.4657C>T, p.Arg1553Ter (NM_001348319.1, NM_001348320.2); c.4660C>T, p.Arg1554Ter (NM_001348321.1); c.4672C>T, p.Arg1558Ter (NM_001348322.1, NM_001348324.2, NM_001348325.2 and 2 more transcripts); c.4675C>T, p.Arg1559Ter (NM_001348328.1, NM_001348329.2, NM_001348330.2); and 4 more; short protein forms R1213*, R1483*, R1484*, R1511*, R1516*, R1524*, R1531*, R1532*.
Identifiers: ClinVar variation 4852204 (VCV004852204.1).
Genomic context (GRCh38, chr2:229,789,634, plus strand): 5'-GACCATGAAAACTTCATAAATAGGCAACATTACTCACATCATACAAGTAATACCAGTATC[G>A]ACTGATAGCATGTAAAACTCTTAAAAGAAGGATCACATCTAATGACGGGTCTTCAAATGT-3'

ClinVar aggregate classification (germline): Likely pathogenic (1 of 4 stars; one submission).

Conditions:
Clark-Baraitser syndrome. Also called: MENTAL RETARDATION, AUTOSOMAL DOMINANT 49; BARAITSER SYNDROME; Mental retardation, tall stature, obesity, macrocephaly and typical facial features; Intellectual disability, autosomal dominant 49. Identifiers: Orphanet 600731, MedGen C2931130, MONDO:0030914, OMIM 617752.

Submission:

Variantyx, Inc.
Classification: Likely pathogenic for Clark-Baraitser syndrome. Last evaluated: 2025-04-10. Review status: criteria provided, single submitter. Criteria: Variantyx Assertion Criteria 2022. Collection method: clinical testing. Allele origin: germline. Inheritance: Autosomal dominant inheritance. Affected: yes.
Comment: This is a nonsense variant in the TRIP12 gene (OMIM: 604506). Pathogenic variants in this gene have been associated with autosomal dominant intellectual developmental disorder 49. This variant introduces a premature termination codon in exon 31 out of 42 and is expected to result in loss of function, which is a known disease mechanism for TRIP12 in this disorder (PMID: 27848077, 28251352) (PVS1). This variant is absent from control populations (PM2) and it has not been reported in individuals with TRIP12-related disorders in the databases available for review. Based on the current evidence, this variant is classified as likely pathogenic for autosomal dominant intellectual developmental disorder 49.

Literature cited by the submitters: PubMed 27848077; PubMed 28251352.